The following is an entry in ClinVar:

ClinVar aggregate classification (germline): Uncertain significance (1 of 4 stars; one submission).

Conditions:
Developmental and epileptic encephalopathy, 31A. Also called: Developmental and epileptic encephalopathy, 31; Epileptic encephalopathy, early infantile, 31. Identifiers: Orphanet 2382, MedGen C4225357, MONDO:0014598, OMIM 616346.

gnomAD v4.1: 1 of 1,312,160 alleles (0.000076%); highest among the groups gnomAD compares: Non-Finnish European, 0.000096%; no homozygotes.

Submission:

Labcorp Genetics (formerly Invitae), Labcorp
Classification: Uncertain significance for Developmental and epileptic encephalopathy, 31A. Last evaluated: 2023-07-30. Review status: criteria provided, single submitter. Criteria: Invitae Variant Classification Sherloc (09022015). Collection method: clinical testing. Allele origin: germline.
Comment: This variant is not present in population databases (gnomAD no frequency). In summary, the available evidence is currently insufficient to determine the role of this variant in disease. Therefore, it has been classified as a Variant of Uncertain Significance. Advanced modeling of protein sequence and biophysical properties (such as structural, functional, and spatial information, amino acid conservation, physicochemical variation, residue mobility, and thermodynamic stability) performed at Invitae indicates that this missense variant is not expected to disrupt DNM1 protein function. This variant has not been reported in the literature in individuals affected with DNM1-related conditions. This sequence change replaces proline, which is neutral and non-polar, with threonine, which is neutral and polar, at codon 819 of the DNM1 protein (p.Pro819Thr).

NM_004408.4(DNM1):c.2455C>A (p.Pro819Thr)

Genes: DNM1 (dynamin 1; plus strand), LOC130002699 (ATAC-STARR-seq lymphoblastoid silent region 20333; plus strand). Cytogenetic location: 9q34.11.
Variant type: single nucleotide variant.
Coding change: c.2455C>A on transcript NM_004408.4 (MANE Select); coding-DNA position 2455, C replaced by A.
Protein change: p.Pro819Thr; replaces proline 819 with threonine.
Molecular consequence: missense variant.
Genome position (GRCh38, 1-based): chr9:128,250,861, C>A. VCF-style: chr9-128250861-C-A. GRCh37 (hg19) VCF-style: chr9-131013140-C-A.
Other names: c.2455C>A, p.Pro819Thr (NM_001005336.3, NM_001288737.2, NM_001288738.2 and 2 more transcripts); short protein forms P819T.
Identifiers: ClinVar variation 2835434 (VCV002835434.3), dbSNP rs1131692001, ClinGen allele CA375001827.